The following is an entry in ClinVar:

ClinVar aggregate classification (germline): Uncertain significance (1 of 4 stars; one submission).

Conditions:
Glutamate formiminotransferase deficiency. Also called: Formiminoglutamic aciduria; Arakawa syndrome 1. Identifiers: Orphanet 51208, MedGen C0268609, MONDO:0009240, OMIM 229100.

Submission:

Labcorp Genetics (formerly Invitae), Labcorp
Classification: Uncertain significance for Glutamate formiminotransferase deficiency. Last evaluated: 2024-10-29. Review status: criteria provided, single submitter. Criteria: Invitae Variant Classification Sherloc (09022015). Collection method: clinical testing. Allele origin: germline.
Comment: This sequence change replaces valine, which is neutral and non-polar, with glycine, which is neutral and non-polar, at codon 359 of the FTCD protein (p.Val359Gly). This variant is not present in population databases (gnomAD no frequency). This variant has not been reported in the literature in individuals affected with FTCD-related conditions. ClinVar contains an entry for this variant (Variation ID: 2079073). Invitae Evidence Modeling of protein sequence and biophysical properties (such as structural, functional, and spatial information, amino acid conservation, physicochemical variation, residue mobility, and thermodynamic stability) indicates that this missense variant is expected to disrupt FTCD protein function with a positive predictive value of 80%. In summary, the available evidence is currently insufficient to determine the role of this variant in disease. Therefore, it has been classified as a Variant of Uncertain Significance.

NM_206965.2(FTCD):c.1076T>G (p.Val359Gly)

Gene: FTCD (formimidoyltransferase cyclodeaminase; minus strand). Cytogenetic location: 21q22.3.
Variant type: single nucleotide variant.
Coding change: c.1076T>G on transcript NM_206965.2 (MANE Select); coding-DNA position 1076, T replaced by G.
Protein change: p.Val359Gly; replaces valine 359 with glycine.
Molecular consequence: missense variant.
Genome position (GRCh38, 1-based): chr21:46,145,840, A>C on the plus strand (T>G on the coding strand, the complement: FTCD is on the minus strand). VCF-style: chr21-46145840-A-C. GRCh37 (hg19) VCF-style: chr21-47565754-A-C.
Other names: c.1076T>G, p.Val359Gly (NM_001320412.2, NM_006657.3); short protein forms V359G.
Identifiers: ClinVar variation 2079073 (VCV002079073.3), dbSNP rs1601325908, ClinGen allele CA410513264.